The following is an entry in ClinVar:

ClinVar aggregate classification (germline): Uncertain significance. Review status: criteria provided, multiple submitters, no conflicts (2 of 4 stars). 4 submissions from 4 submitters: Uncertain significance (4). Last evaluated 2024-02-21.

Conditions:
Fanconi anemia (FA). Also called: Fanconi's anemia. Identifiers: Orphanet 84, MedGen C0015625, MeSH D005199, MONDO:0019391.
Inborn genetic diseases. Identifiers: MedGen C0950123, MeSH D030342.
Fanconi anemia complementation group F. Also called: FANCF-Related Fanconi Anemia. Identifiers: Orphanet 84, MedGen C3469526, MONDO:0011325, OMIM 603467.

Allele frequency attached by ClinVar (database versions not stated): ExAC 0.00001; ESP Exome Variant Server 0.00008.

Submissions (4):

Ambry Genetics
Classification: Uncertain significance for Inborn genetic diseases. Last evaluated: 2024-02-21. Review status: criteria provided, single submitter. Criteria: Ambry Variant Classification Scheme 2023. Collection method: clinical testing. Allele origin: germline.

Blueprint Genetics
Classification: Uncertain significance. Last evaluated: 2023-08-14. Review status: criteria provided, single submitter. Criteria: ACMG Guidelines, 2015. Collection method: clinical testing. Allele origin: germline.

Labcorp Genetics (formerly Invitae), Labcorp
Classification: Uncertain significance for Fanconi anemia. Last evaluated: 2022-01-17. Review status: criteria provided, single submitter. Criteria: Invitae Variant Classification Sherloc (09022015). Collection method: clinical testing. Allele origin: germline.
Comment: In summary, the available evidence is currently insufficient to determine the role of this variant in disease. Therefore, it has been classified as a Variant of Uncertain Significance. Algorithms developed to predict the effect of missense changes on protein structure and function are either unavailable or do not agree on the potential impact of this missense change (SIFT: "Tolerated"; PolyPhen-2: "Possibly Damaging"; Align-GVGD: "Class C0"). ClinVar contains an entry for this variant (Variation ID: 1056405). This variant has not been reported in the literature in individuals affected with FANCF-related conditions. This variant is present in population databases (rs370347668, gnomAD 0.005%). This sequence change replaces threonine, which is neutral and polar, with serine, which is neutral and polar, at codon 30 of the FANCF protein (p.Thr30Ser).

Fulgent Genetics
Classification: Uncertain significance for Fanconi anemia complementation group F. Last evaluated: 2021-08-27. Review status: criteria provided, single submitter. Criteria: ACMG Guidelines, 2015. Collection method: clinical testing. Allele origin: unknown.

NM_022725.4(FANCF):c.89C>G (p.Thr30Ser)

Gene: FANCF (FA complementation group F; minus strand). Cytogenetic location: 11p14.3.
Variant type: single nucleotide variant.
Coding change: c.89C>G on transcript NM_022725.4 (MANE Select); coding-DNA position 89, C replaced by G.
Protein change: p.Thr30Ser; replaces threonine 30 with serine.
Molecular consequence: missense variant.
Genome position (GRCh38, 1-based): chr11:22,625,722, G>C on the plus strand (C>G on the coding strand, the complement: FANCF is on the minus strand). VCF-style: chr11-22625722-G-C. GRCh37 (hg19) VCF-style: chr11-22647268-G-C.
Other names: c.89C>G (NM_022725.3); short protein forms T30S.
Identifiers: ClinVar variation 1056405 (VCV001056405.10), dbSNP rs370347668, ClinGen allele CA5924439.